The following is an entry in ClinVar:

ClinVar aggregate classification (germline): Benign/Likely benign. Review status: criteria provided, multiple submitters, no conflicts (2 of 4 stars). 3 submissions from 3 submitters: Benign (1); Likely benign (2). Last evaluated 2025-08-18.

Conditions:
Hereditary cancer-predisposing syndrome. Also called: Tumor predisposition; Hereditary neoplastic syndrome; Neoplastic Syndromes, Hereditary; Hereditary Cancer Syndrome. Identifiers: Orphanet 140162, MedGen C0027672, MeSH D009386, MONDO:0015356.
Familial cancer of breast. Also called: hereditary breast carcinoma; Hereditary breast cancer; BREAST CANCER, FAMILIAL. Identifiers: Orphanet 227535, MedGen C0346153, MONDO:0016419, OMIM 114480. Disease mechanism: loss of function.

Allele frequency attached by ClinVar (database versions not stated): gnomAD exomes below 0.00001.

Submissions (3):

Labcorp Genetics (formerly Invitae), Labcorp
Classification: Likely benign for Familial cancer of breast. Last evaluated: 2025-08-18. Review status: criteria provided, single submitter. Criteria: Invitae Variant Classification Sherloc (09022015). Collection method: clinical testing. Allele origin: germline.

Myriad Genetics, Inc.
Classification: Benign for Familial cancer of breast. Last evaluated: 2024-10-04. Review status: criteria provided, single submitter. Criteria: Myriad Autosomal Dominant, Autosomal Recessive and X-Linked Classification Criteria (2023). Collection method: clinical testing. Allele origin: unknown.
Comment: This variant is considered benign. This variant is a silent/synonymous amino acid change and it is not expected to impact splicing.

Ambry Genetics
Classification: Likely benign for Hereditary cancer-predisposing syndrome. Last evaluated: 2019-05-20. Review status: criteria provided, single submitter. Criteria: Ambry Variant Classification Scheme 2023. Collection method: clinical testing. Allele origin: germline.

NM_007194.4(CHEK2):c.1134C>G (p.Thr378=)

Gene: CHEK2 (checkpoint kinase 2; minus strand). Cytogenetic location: 22q12.1.
Variant type: single nucleotide variant.
Coding change: c.1134C>G on transcript NM_007194.4 (MANE Select); coding-DNA position 1134, C replaced by G.
Protein change: p.Thr378=; no amino-acid change (threonine 378 retained).
Molecular consequence: synonymous variant.
Genome position (GRCh38, 1-based): chr22:28,695,835, G>C on the plus strand (C>G on the coding strand, the complement: CHEK2 is on the minus strand). VCF-style: chr22-28695835-G-C. GRCh37 (hg19) VCF-style: chr22-29091823-G-C.
Other names: c.1263C>G, p.Thr421= (NM_001005735.3); c.471C>G, p.Thr157= (NM_001257387.3); c.933C>G, p.Thr311= (NM_001349956.3); c.1047C>G, p.Thr349= (NM_145862.3).
Identifiers: ClinVar variation 818403 (VCV000818403.6), dbSNP rs876658880, ClinGen allele CA513944937.